The following is an entry in ClinVar:

NM_004637.6(RAB7A):c.206G>A (p.Arg69Gln)

Gene: RAB7A (RAB7A, member RAS oncogene family; plus strand). Cytogenetic location: 3q21.3.
Variant type: single nucleotide variant.
Coding change: c.206G>A on transcript NM_004637.6 (MANE Select); coding-DNA position 206, G replaced by A.
Protein change: p.Arg69Gln; replaces arginine 69 with glutamine.
Molecular consequence: missense variant.
Genome position (GRCh38, 1-based): chr3:128,806,397, G>A. VCF-style: chr3-128806397-G-A. GRCh37 (hg19) VCF-style: chr3-128525240-G-A.
Other names: short protein forms R69Q.
Identifiers: ClinVar variation 3361469 (VCV003361469.3).

ClinVar aggregate classification (germline): Uncertain significance. Review status: criteria provided, multiple submitters, no conflicts (2 of 4 stars). 2 submissions from 2 submitters: Uncertain significance (2). Last evaluated 2024-07-30.

Conditions:
Charcot-Marie-Tooth disease type 2B (CMT2B). Also called: HEREDITARY MOTOR AND SENSORY NEUROPATHY IIB; CHARCOT-MARIE-TOOTH DISEASE, AXONAL, TYPE 2B; CHARCOT-MARIE-TOOTH DISEASE, AUTOSOMAL DOMINANT, TYPE 2B; Charcot-Marie-Tooth Neuropathy Type 2B. Identifiers: Orphanet 99936, MedGen C1833219, MONDO:0010949, OMIM 600882.

gnomAD v4.1: 2 of 1,613,550 alleles (0.00012%); highest among the groups gnomAD compares: Non-Finnish European, 0.00017%; no homozygotes.

Submissions (2):

Labcorp Genetics (formerly Invitae), Labcorp
Classification: Uncertain significance for Charcot-Marie-Tooth disease type 2B. Last evaluated: 2024-07-30. Review status: criteria provided, single submitter. Criteria: Invitae Variant Classification Sherloc (09022015). Collection method: clinical testing. Allele origin: germline.
Comment: This sequence change replaces arginine, which is basic and polar, with glutamine, which is neutral and polar, at codon 69 of the RAB7A protein (p.Arg69Gln). This variant is not present in population databases (gnomAD no frequency). This variant has not been reported in the literature in individuals affected with RAB7A-related conditions. An algorithm developed to predict the effect of missense changes on protein structure and function (PolyPhen-2) suggests that this variant is likely to be disruptive. In summary, the available evidence is currently insufficient to determine the role of this variant in disease. Therefore, it has been classified as a Variant of Uncertain Significance.

GeneDx
Classification: Uncertain significance. Last evaluated: 2023-07-20. Review status: criteria provided, single submitter. Criteria: GeneDx Variant Classification Process June 2021. Collection method: clinical testing. Allele origin: germline. Affected: yes.
Comment: Not observed at significant frequency in large population cohorts (gnomAD); In silico analysis supports that this missense variant has a deleterious effect on protein structure/function; Has not been previously published as pathogenic or benign to our knowledge